The following is an entry in ClinVar:

ClinVar aggregate classification (germline): Uncertain significance (1 of 4 stars; one submission).

Conditions:
Gastrointestinal stromal tumor. Also called: Gastrointestinal stroma tumor; Gastrointestinal stromal tumor, somatic. Identifiers: Orphanet 44890, MedGen C0238198, MeSH D046152, MONDO:0011719, OMIM 606764, HP:0100723.

Submission:

Labcorp Genetics (formerly Invitae), Labcorp
Classification: Uncertain significance for Gastrointestinal stromal tumor. Last evaluated: 2021-10-14. Review status: criteria provided, single submitter. Criteria: Invitae Variant Classification Sherloc (09022015). Collection method: clinical testing. Allele origin: germline.
Comment: Algorithms developed to predict the effect of missense changes on protein structure and function (SIFT, PolyPhen-2, Align-GVGD) all suggest that this variant is likely to be disruptive. In summary, the available evidence is currently insufficient to determine the role of this variant in disease. Therefore, it has been classified as a Variant of Uncertain Significance. This sequence change replaces alanine with threonine at codon 659 of the KIT protein (p.Ala659Thr). The alanine residue is highly conserved and there is a small physicochemical difference between alanine and threonine. This variant is not present in population databases (ExAC no frequency). This variant has not been reported in the literature in individuals affected with KIT-related conditions.

NM_000222.3(KIT):c.1975G>A (p.Ala659Thr)

Gene: KIT (KIT proto-oncogene, receptor tyrosine kinase; plus strand). Cytogenetic location: 4q12.
Variant type: single nucleotide variant.
Coding change: c.1975G>A on transcript NM_000222.3 (MANE Select); coding-DNA position 1975, G replaced by A.
Protein change: p.Ala659Thr; replaces alanine 659 with threonine.
Molecular consequence: missense variant.
Genome position (GRCh38, 1-based): chr4:54,728,106, G>A. VCF-style: chr4-54728106-G-A. GRCh37 (hg19) VCF-style: chr4-55594272-G-A.
Other names: c.1963G>A, p.Ala655Thr (NM_001093772.2, NM_001385286.1); c.1978G>A, p.Ala660Thr (NM_001385284.1, NM_001385290.1); c.1975G>A, p.Ala659Thr (NM_001385285.1); c.1966G>A, p.Ala656Thr (NM_001385288.1, NM_001385292.1); short protein forms A656T, A660T, A655T, A659T.
Identifiers: ClinVar variation 1386986 (VCV001386986.6), dbSNP rs2109782151, ClinGen allele CA356908773.
Genomic context (GRCh38, chr4:54,728,106, plus strand): 5'-TCTGAACTCAAAGTCCTGAGTTACCTTGGTAATCACATGAATATTGTGAATCTACTTGGA[G>A]CCTGCACCATTGGAGGTAAAGCCGTGTCCAAGCTGCCTTTTATTGTCTGTCAGGTTATCA-3'
Protein context (NP_000213.1, residues 649-669): NHMNIVNLLG[Ala659Thr]CTIGGPTLVI